The following is an entry in ClinVar:

NM_000388.4(CASR):c.2870A>C (p.Gln957Pro)

Gene: CASR (calcium sensing receptor; plus strand). Cytogenetic location: 3q21.1.
Variant type: single nucleotide variant.
Coding change: c.2870A>C on transcript NM_000388.4 (MANE Select); coding-DNA position 2870, A replaced by C.
Protein change: p.Gln957Pro; replaces glutamine 957 with proline.
Molecular consequence: missense variant.
Genome position (GRCh38, 1-based): chr3:122,284,824, A>C. VCF-style: chr3-122284824-A-C. GRCh37 (hg19) VCF-style: chr3-122003671-A-C.
Other names: c.2900A>C, p.Gln967Pro (NM_001178065.2); short protein forms Q957P, Q967P.
Identifiers: ClinVar variation 3231559 (VCV003231559.1), dbSNP rs150979829, ClinGen allele CA354160946.

ClinVar aggregate classification (germline): Uncertain significance (1 of 4 stars; one submission).

Conditions:
Nephrolithiasis/nephrocalcinosis. Identifiers: MedGen CN580796.

Submission:

Ambry Genetics
Classification: Uncertain significance for Nephrolithiasis/nephrocalcinosis. Last evaluated: 2023-09-15. Review status: criteria provided, single submitter. Criteria: Ambry Variant Classification Scheme 2023. Collection method: clinical testing. Allele origin: germline.
Comment: The p.Q957P variant (also known as c.2870A>C), located in coding exon 6 of the CASR gene, results from an A to C substitution at nucleotide position 2870. The glutamine at codon 957 is replaced by proline, an amino acid with similar properties. This amino acid position is conserved. In addition, this alteration is predicted to be tolerated by in silico analysis. Since supporting evidence is limited at this time, the clinical significance of this alteration remains unclear.